The following is an entry in ClinVar:

ClinVar aggregate classification (germline): Likely pathogenic (1 of 4 stars; one submission).

Conditions:
Mucopolysaccharidosis, MPS-I-H/S. Also called: Mucopolysaccharidosis type IH/S. Identifiers: Orphanet 93476, MedGen C0086431, MONDO:0011759, OMIM 607015.

Submission:

Myriad Genetics, Inc.
Classification: Likely pathogenic for Mucopolysaccharidosis, MPS-I-H/S. Last evaluated: 2022-04-23. Review status: criteria provided, single submitter. Criteria: Myriad Women's Health Autosomal Recessive and X-Linked Classification Criteria (2021). Collection method: clinical testing. Allele origin: unknown.
Comment: NM_000203.3(IDUA):c.1644delC(Q550Rfs*10) is expected to be pathogenic in the context of mucopolysaccharidosis type I. This variant is predicted to lead to an abnormal or absent protein product due to the creation of a premature termination codon in IDUA, a gene where loss-of-function variants are known to be pathogenic. Please note: this variant was assessed in the context of healthy population screening.

NM_000203.5(IDUA):c.1644del (p.Gln550fs)

Gene: IDUA (alpha-L-iduronidase; plus strand). Cytogenetic location: 4p16.3.
Variant type: Deletion.
Coding change: c.1644del on transcript NM_000203.5 (MANE Select); coding-DNA position 1644, one base deleted (C; older notation c.1644delC).
Protein change: p.Gln550fs; shifts the reading frame from glutamine 550.
Molecular consequence: frameshift variant. On other transcripts: non-coding transcript variant (1).
Genome position (GRCh38, 1-based): chr4:1,003,464, C deleted; the last of 3 consecutive C bases (chr4:1,003,462-1,003,464); deleting any one gives the same sequence. VCF-style (leftmost placement, unchanged base first): chr4-1003461-GC-G. GRCh37 (hg19) VCF-style: chr4-997249-GC-G.
Other names: c.1248del, p.Gln418fs (NM_001363576.1); short protein forms Q418fs, Q550fs.
Identifiers: ClinVar variation 1725952 (VCV001725952.2), dbSNP rs2534098579, ClinGen allele CA2580070692.
Genomic context (GRCh38, chr4:1,003,461, plus strand): 5'-CCCCGCGCTGCGGCTGCCGTCGCTTTTGCTGGTGCACGTGTGTGCGCGCCCCGAGAAGCC[GC>G]CCGGGCAGGCAAGTGGCAGTCCCCTAACCCGCGCCGCGGCCCGGACTCCCCTTCCCCGAC-3'